The following is an entry in ClinVar:

NM_001128228.3(TPRN):c.563G>T (p.Ser188Ile)

Gene: TPRN (taperin; minus strand). Cytogenetic location: 9q34.3.
Variant type: single nucleotide variant.
Coding change: c.563G>T on transcript NM_001128228.3 (MANE Select); coding-DNA position 563, G replaced by T.
Protein change: p.Ser188Ile; replaces serine 188 with isoleucine.
Molecular consequence: missense variant.
Genome position (GRCh38, 1-based): chr9:137,200,149, C>A on the plus strand (G>T on the coding strand, the complement: TPRN is on the minus strand). VCF-style: chr9-137200149-C-A. GRCh37 (hg19) VCF-style: chr9-140094601-C-A.
Other names: short protein forms S188I.
Identifiers: ClinVar variation 1396937 (VCV001396937.10), dbSNP rs1354154820, ClinGen allele CA375781881.

ClinVar aggregate classification (germline): Uncertain significance. Review status: criteria provided, multiple submitters, no conflicts (2 of 4 stars). 3 submissions from 3 submitters: Uncertain significance (3). Last evaluated 2025-08-27.

Conditions:
Inborn genetic diseases. Identifiers: MedGen C0950123, MeSH D030342.

Allele frequency attached by ClinVar (database versions not stated): gnomAD 0.00001 and 0.00004; 1000 Genomes Project 30x 0.00016.
gnomAD v4.1: 20 of 1,215,202 alleles (0.0016%); highest among the groups gnomAD compares: East Asian, 0.039%; no homozygotes.

Submissions (3):

Ambry Genetics
Classification: Uncertain significance for Inborn genetic diseases. Last evaluated: 2025-08-27. Review status: criteria provided, single submitter. Criteria: Ambry Variant Classification Scheme 2023. Collection method: clinical testing. Allele origin: germline.

GeneDx
Classification: Uncertain significance. Last evaluated: 2023-06-30. Review status: criteria provided, single submitter. Criteria: GeneDx Variant Classification Process June 2021. Collection method: clinical testing. Allele origin: germline. Affected: yes.
Comment: Not observed at significant frequency in large population cohorts (gnomAD); In silico analysis supports that this missense variant does not alter protein structure/function; Has not been previously published as pathogenic or benign to our knowledge

Labcorp Genetics (formerly Invitae), Labcorp
Classification: Uncertain significance. Last evaluated: 2022-07-05. Review status: criteria provided, single submitter. Criteria: Invitae Variant Classification Sherloc (09022015). Collection method: clinical testing. Allele origin: germline.
Comment: In summary, the available evidence is currently insufficient to determine the role of this variant in disease. Therefore, it has been classified as a Variant of Uncertain Significance. Algorithms developed to predict the effect of missense changes on protein structure and function are either unavailable or do not agree on the potential impact of this missense change (SIFT: "Deleterious"; PolyPhen-2: "Benign"; Align-GVGD: "Class C0"). ClinVar contains an entry for this variant (Variation ID: 1396937). This variant has not been reported in the literature in individuals affected with TPRN-related conditions. This variant is present in population databases (no rsID available, gnomAD 0.06%). This sequence change replaces serine, which is neutral and polar, with isoleucine, which is neutral and non-polar, at codon 188 of the TPRN protein (p.Ser188Ile).